The following is an entry in ClinVar:

ClinVar aggregate classification (germline): Uncertain significance (1 of 4 stars; one submission).

gnomAD v4.1: 6 of 1,612,670 alleles (0.00037%); highest among the groups gnomAD compares: South Asian, 0.0044%; no homozygotes.

Submission:

Labcorp Genetics (formerly Invitae), Labcorp
Classification: Uncertain significance. Last evaluated: 2026-01-28. Review status: criteria provided, single submitter. Criteria: Invitae Variant Classification Sherloc (09022015). Collection method: clinical testing. Allele origin: germline.
Comment: This sequence change replaces arginine, which is basic and polar, with glutamine, which is neutral and polar, at codon 74 of the CLCN6 protein (p.Arg74Gln). This variant is present in population databases (rs773306820, gnomAD 0.007%). This variant has not been reported in the literature in individuals affected with CLCN6-related conditions. An algorithm developed to predict the effect of missense changes on protein structure and function (PolyPhen-2) suggests that this variant is likely to be tolerated. In summary, the available evidence is currently insufficient to determine the role of this variant in disease. Therefore, it has been classified as a Variant of Uncertain Significance.

NM_001286.5(CLCN6):c.221G>A (p.Arg74Gln)

Gene: CLCN6 (chloride voltage-gated channel 6; plus strand). Cytogenetic location: 1p36.22.
Variant type: single nucleotide variant.
Coding change: c.221G>A on transcript NM_001286.5 (MANE Select); coding-DNA position 221, G replaced by A.
Protein change: p.Arg74Gln; replaces arginine 74 with glutamine.
Molecular consequence: missense variant. On other transcripts: non-coding transcript variant (1).
Genome position (GRCh38, 1-based): chr1:11,816,622, G>A. VCF-style: chr1-11816622-G-A. GRCh37 (hg19) VCF-style: chr1-11876679-G-A.
Other names: c.155G>A, p.Arg52Gln (NM_001256959.2); short protein forms R52Q, R74Q.
Identifiers: ClinVar variation 4690824 (VCV004690824.1).